The following is an entry in ClinVar:

NM_001410764.1(FANCB):c.2616C>T (p.Cys872=)

Gene: FANCB (FA complementation group B; minus strand). Cytogenetic location: Xp22.2.
Variant type: single nucleotide variant.
Coding change: c.2616C>T on transcript NM_001410764.1; coding-DNA position 2616, C replaced by T.
Protein change: p.Cys872=; no amino-acid change (cysteine 872 retained).
Molecular consequence: synonymous variant.
Genome position (GRCh38, 1-based): chrX:14,796,910, G>A on the plus strand (C>T on the coding strand, the complement: FANCB is on the minus strand). VCF-style: chrX-14796910-G-A. GRCh37 (hg19) VCF-style: chrX-14815032-G-A.
Identifiers: ClinVar variation 3067458 (VCV003067458.20), dbSNP rs754257299, ClinGen allele CA327036698.
Genomic context (GRCh38, chrX:14,796,910, plus strand): 5'-CCAAGTCTGAAGACCTGAGAACCAGGAGAGCTGGTGGTGTTGATTCCAGCCCAAAAGCTG[G>A]CAGTTGGAGTTCTAAGGTCGGAAAAGACCAATGTTTCACTTCAAGTAGTCAGGCAGAAGT-3'

ClinVar aggregate classification (germline): Likely benign (1 of 4 stars; one submission).

Allele frequency attached by ClinVar (database versions not stated): gnomAD 0.00039; 1000 Genomes Project 30x 0.00271; TOPMed 0.00042; 1000 Genomes Project 0.00212.
gnomAD v4.1: 42 of 110,305 alleles (0.038%); highest among the groups gnomAD compares: African/African-American, 0.13%; no homozygotes.

Submission:

CeGaT Center for Human Genetics Tuebingen
Classification: Likely benign. Last evaluated: 2024-03-01. Review status: criteria provided, single submitter. Criteria: CeGaT Center For Human Genetics Tuebingen Variant Classification Criteria Version 2. Collection method: clinical testing. Allele origin: germline. Affected: yes. Observed: 1 variant allele.
Comment: FANCB: BS2